The following is an entry in ClinVar:

ClinVar aggregate classification (germline): Uncertain significance (1 of 4 stars; one submission).

Conditions:
Brachycephaly, trichomegaly, and developmental delay. Also called: MacInnes syndrome. Identifiers: MedGen C4479431, MONDO:0044311, OMIM 617412.

Allele frequency attached by ClinVar (database versions not stated): gnomAD exomes below 0.00001; ExAC 0.00001.
gnomAD v4.1: 3 of 1,612,042 alleles (0.00019%); highest among the groups gnomAD compares: Non-Finnish European, 0.00017%; no homozygotes.

Submission:

Institute of Human Genetics, University of Leipzig Medical Center
Classification: Uncertain significance for Brachycephaly, trichomegaly, and developmental delay. Last evaluated: 2023-08-14. Review status: criteria provided, single submitter. Criteria: ACMG Guidelines, 2015. Collection method: clinical testing. Allele origin: unknown. Inheritance: Autosomal dominant inheritance. Affected: yes.
Comment: Criteria applied: PP2,PP3

NM_001025.5(RPS23):c.355C>T (p.Arg119Cys)

Gene: RPS23 (ribosomal protein S23; minus strand). Cytogenetic location: 5q14.2.
Variant type: single nucleotide variant.
Coding change: c.355C>T on transcript NM_001025.5 (MANE Select); coding-DNA position 355, C replaced by T.
Protein change: p.Arg119Cys; replaces arginine 119 with cysteine.
Molecular consequence: missense variant.
Genome position (GRCh38, 1-based): chr5:82,276,186, G>A on the plus strand (C>T on the coding strand, the complement: RPS23 is on the minus strand). VCF-style: chr5-82276186-G-A. GRCh37 (hg19) VCF-style: chr5-81572005-G-A.
Other names: short protein forms R119C.
Identifiers: ClinVar variation 2578439 (VCV002578439.2), dbSNP rs777272747, ClinGen allele CA3331511.